The following is an entry in ClinVar:

NM_001242957.3(MAK):c.1109C>T (p.Thr370Met)

Gene: MAK (male germ cell associated kinase; minus strand). Cytogenetic location: 6p24.2.
Variant type: single nucleotide variant.
Coding change: c.1109C>T on transcript NM_001242957.3 (MANE Select); coding-DNA position 1109, C replaced by T.
Protein change: p.Thr370Met; replaces threonine 370 with methionine.
Molecular consequence: missense variant. On other transcripts: non-coding transcript variant (2).
Genome position (GRCh38, 1-based): chr6:10,796,032, G>A on the plus strand (C>T on the coding strand, the complement: MAK is on the minus strand). VCF-style: chr6-10796032-G-A. GRCh37 (hg19) VCF-style: chr6-10796265-G-A.
Other names: c.1109C>T, p.Thr370Met (NM_001242385.2, NM_005906.6); c.1007C>T, p.Thr336Met (NM_001377262.1); c.1109C>T (NM_005906.4); short protein forms T336M, T370M.
Identifiers: ClinVar variation 965348 (VCV000965348.8), dbSNP rs201494324, ClinGen allele CA3633555.

ClinVar aggregate classification (germline): Uncertain significance. Review status: criteria provided, multiple submitters, no conflicts (2 of 4 stars). 2 submissions from 2 submitters: Uncertain significance (2). Last evaluated 2022-08-21.

Conditions:
Inborn genetic diseases. Identifiers: MedGen C0950123, MeSH D030342.

Allele frequency attached by ClinVar (database versions not stated): ExAC 0.00002; gnomAD exomes 0.00004 and 0.00005; gnomAD 0.00007 and 0.00008; TOPMed 0.00007; ESP Exome Variant Server 0.00008.
gnomAD v4.1: 87 of 1,614,038 alleles (0.0054%); highest among the groups gnomAD compares: African/African-American, 0.008%; no homozygotes.

Submissions (2):

Labcorp Genetics (formerly Invitae), Labcorp
Classification: Uncertain significance. Last evaluated: 2022-08-21. Review status: criteria provided, single submitter. Criteria: Invitae Variant Classification Sherloc (09022015). Collection method: clinical testing. Allele origin: germline.
Comment: This sequence change replaces threonine, which is neutral and polar, with methionine, which is neutral and non-polar, at codon 370 of the MAK protein (p.Thr370Met). This variant is present in population databases (rs201494324, gnomAD 0.008%). This variant has not been reported in the literature in individuals affected with MAK-related conditions. ClinVar contains an entry for this variant (Variation ID: 965348). Advanced modeling of protein sequence and biophysical properties (such as structural, functional, and spatial information, amino acid conservation, physicochemical variation, residue mobility, and thermodynamic stability) performed at Invitae indicates that this missense variant is not expected to disrupt MAK protein function. In summary, the available evidence is currently insufficient to determine the role of this variant in disease. Therefore, it has been classified as a Variant of Uncertain Significance.

Ambry Genetics
Classification: Uncertain significance for Inborn genetic diseases. Last evaluated: 2021-08-02. Review status: criteria provided, single submitter. Criteria: Ambry Variant Classification Scheme 2023. Collection method: clinical testing. Allele origin: germline.